The following is an entry in ClinVar:

NM_003573.2(LTBP4):c.239A>G (p.Glu80Gly)

Gene: LTBP4 (latent transforming growth factor beta binding protein 4; plus strand). Cytogenetic location: 19q13.2.
Variant type: single nucleotide variant.
Coding change: c.239A>G on transcript NM_003573.2; coding-DNA position 239, A replaced by G.
Protein change: p.Glu80Gly; replaces glutamic acid 80 with glycine.
Molecular consequence: missense variant.
Genome position (GRCh38, 1-based): chr19:40,600,076, A>G. VCF-style: chr19-40600076-A-G. GRCh37 (hg19) VCF-style: chr19-41105982-A-G.
Other names: c.350A>G, p.Glu117Gly (NM_001042544.1); short protein forms E80G, E117G.
Identifiers: ClinVar variation 1938102 (VCV001938102.6), dbSNP rs950467549, ClinGen allele CA308443137.

ClinVar aggregate classification (germline): Uncertain significance. Review status: criteria provided, multiple submitters, no conflicts (2 of 4 stars). 2 submissions from 2 submitters: Uncertain significance (2). Last evaluated 2022-01-03.

Conditions:
Cutis laxa with severe pulmonary, gastrointestinal and urinary anomalies. Also called: Cutis laxa, autosomal recessive, type IC; URBAN-RIFKIN-DAVIS SYNDROME; LTBP4-Related Cutis Laxa. Identifiers: Orphanet 221145, MedGen C2750804, MONDO:0013170, OMIM 613177. Disease mechanism: loss of function.

Allele frequency attached by ClinVar (database versions not stated): gnomAD 0.00001; gnomAD exomes 0.00004; TOPMed 0.00001.
gnomAD v4.1: 39 of 1,262,278 alleles (0.0031%); highest among the groups gnomAD compares: Middle Eastern, 0.021%; no homozygotes.

Submissions (2):

Labcorp Genetics (formerly Invitae), Labcorp
Classification: Uncertain significance. Last evaluated: 2022-01-03. Review status: criteria provided, single submitter. Criteria: Invitae Variant Classification Sherloc (09022015). Collection method: clinical testing. Allele origin: germline.
Comment: In summary, the available evidence is currently insufficient to determine the role of this variant in disease. Therefore, it has been classified as a Variant of Uncertain Significance. Experimental studies and prediction algorithms are not available or were not evaluated, and the functional significance of this variant is currently unknown. This variant has not been reported in the literature in individuals affected with LTBP4-related conditions. This variant is not present in population databases (gnomAD no frequency). This sequence change replaces glutamic acid, which is acidic and polar, with glycine, which is neutral and non-polar, at codon 80 of the LTBP4 protein (p.Glu80Gly).

Revvity Omics, Revvity
Classification: Uncertain significance for Cutis laxa with severe pulmonary, gastrointestinal and urinary anomalies. Last evaluated: 2019-05-06. Review status: criteria provided, single submitter. Criteria: ACMG Guidelines, 2015. Collection method: clinical testing. Allele origin: germline.